The following is an entry in ClinVar:

ClinVar aggregate classification (germline): Conflicting classifications of pathogenicity. Review status: criteria provided, conflicting classifications (1 of 4 stars). 12 submissions from 12 submitters: Pathogenic (10); Uncertain significance (1). 1 of the submissions does not count toward it. Last evaluated 2025-08-12.

Conditions:
Autosomal recessive NPC1-related disorders.
NPC1-related disorder. Also called: NPC1-related condition.
Niemann-Pick disease, type C (NPC). Identifiers: Orphanet 646, MedGen C0220756, MONDO:0018982.
Niemann-Pick disease, type C1. Also called: NIEMANN-PICK DISEASE, VARIANT TYPE C1; NEUROVISCERAL STORAGE DISEASE WITH VERTICAL SUPRANUCLEAR OPHTHALMOPLEGIA; NIEMANN-PICK DISEASE WITH CHOLESTEROL ESTERIFICATION BLOCK; NIEMANN-PICK DISEASE WITHOUT SPHINGOMYELINASE DEFICIENCY; NIEMANN-PICK DISEASE, CHRONIC NEURONOPATHIC FORM. Identifiers: Orphanet 646, MedGen C3179455, MONDO:0009757, OMIM 257220.

Allele frequency attached by ClinVar (database versions not stated): gnomAD 0.00001; ExAC 0.00002; TOPMed 0.00002; gnomAD exomes 0.00003 and 0.00005.

Submissions (12):

Variantyx, Inc.
Classification: Pathogenic for Autosomal recessive NPC1-related disorders. Last evaluated: 2025-08-12. Review status: criteria provided, single submitter. Criteria: Variantyx Assertion Criteria 2022. Collection method: clinical testing. Allele origin: germline. Inheritance: Autosomal recessive inheritance. Affected: no.
Comment: This is a frameshift variant in the NPC1 gene (OMIM: 607623). Pathogenic variants in this gene have been associated with autosomal recessive NPC1-related disorders. This variant introduces a premature termination codon in exon 20 out of 25 and is expected to result in loss of function, which is a known disease mechanism for NPC1 in these disorders (PMID: 12401890, 16126423, 26666848) (PVS1). This variant has been identified in the homozygous or compound heterozygous state in at least five individuals reported in the published literature (PMID: 12401890, 16126423, 26666848) (PM3). It has a 0.0044% maximum allele frequency in non-founder control populations (PM2). Based on the current evidence, this variant is classified as pathogenic for autosomal recessive NPC1-related disorders.

Natera, Inc.
Classification: Pathogenic for Niemann-Pick disease type C1. Last evaluated: 2025-08-05. Review status: criteria provided, single submitter. Criteria: Natera Variant Classification Schema (03/2026). Collection method: clinical testing. Allele origin: germline.
Comment: The c.2972_2973delAG variant in NPC1 is a frameshift variant predicted to shift the reading frame beginning at codon 991 and leads to a stop codon 15 codons downstream. This variant is expected to result in nonsense mediated decay, truncation, or a dysfunctional protein product. This variant is rare in the general population with a frequency below the threshold expected for the associated phenotype(s). This variant has been observed in one or more individuals affected with the associated recessive disease, as either homozygous or compound heterozygous with a second variant (PMID: 26981555, 12401890). Additionally, this variant has been observed to segregate in affected family members (PMID: 26981555). Given the available evidence, this variant is classified as Pathogenic.

Labcorp Genetics (formerly Invitae), Labcorp
Classification: Pathogenic for Niemann-Pick disease, type C1. Last evaluated: 2025-01-03. Review status: criteria provided, single submitter. Criteria: Invitae Variant Classification Sherloc (09022015). Collection method: clinical testing. Allele origin: germline.
Comment: This sequence change creates a premature translational stop signal (p.Gln991Argfs*15) in the NPC1 gene. It is expected to result in an absent or disrupted protein product. Loss-of-function variants in NPC1 are known to be pathogenic (PMID: 9211850). This variant is present in population databases (rs756815030, gnomAD 0.01%). This premature translational stop signal has been observed in individuals with Niemann-Pick disease type C (PMID: 12401890, 16126423, 23427322, 24915861, 26666848). This variant is also known as 2972del2. ClinVar contains an entry for this variant (Variation ID: 188932). For these reasons, this variant has been classified as Pathogenic.

Center of Human Genetics, Hôpital Erasme
Classification: Pathogenic for Niemann-Pick disease, type C1. Last evaluated: 2025-01-01. Review status: criteria provided, single submitter. Criteria: ACMG Guidelines, 2015. Collection method: clinical testing. Allele origin: inherited. Affected: yes.

PreventionGenetics, part of Exact Sciences
Classification: Pathogenic for NPC1-related condition. Last evaluated: 2023-05-19. Review status: criteria provided, single submitter. Criteria: ACMG Guidelines, 2015. Collection method: clinical testing. Allele origin: germline.
Comment: The NPC1 c.2972_2973delAG variant is predicted to result in a frameshift and premature protein termination (p.Gln991Argfs*15). This variant has been reported in individuals with Niemann-Pick type C (Tarugi et al. 2002. PubMed ID: 12401890; Millat et al. 2005. PubMed ID: 16126423; Schicks et al. 2013. PubMed ID: 23427322; Zhang et al. 2014. PubMed ID: 24915861; Imrie et al. 2015. PubMed ID: 26666848). This variant is reported in 0.0096% of alleles in individuals of Ashkenazi Jewish descent in gnomAD. Frameshift variants in NPC1 are expected to be pathogenic. This variant is interpreted as pathogenic.

GeneDx
Classification: Pathogenic. Last evaluated: 2022-12-13. Review status: criteria provided, single submitter. Criteria: GeneDx Variant Classification Process June 2021. Collection method: clinical testing. Allele origin: germline. Affected: yes.
Comment: Frameshift variant predicted to result in protein truncation or nonsense mediated decay in a gene for which loss-of-function is a known mechanism of disease; Not observed at a significant frequency in large population cohorts (gnomAD); This variant is associated with the following publications: (PMID: 23427322, 16126423, 12955717, 10521290, 26666848, 16086131, 12401890, 24915861, 26790753, 32138288)

Institute of Medical Genetics and Applied Genomics, University Hospital Tübingen
Classification: Pathogenic. Last evaluated: 2020-10-23. Review status: criteria provided, single submitter. Criteria: ACMG Guidelines, 2015. Collection method: clinical testing. Allele origin: germline. Inheritance: Autosomal recessive inheritance. Affected: yes.

Laboratory for Molecular Medicine, Mass General Brigham Personalized Medicine
Classification: Pathogenic for Niemann-Pick disease, type C. Last evaluated: 2020-06-09. Review status: criteria provided, single submitter. Criteria: LMM Criteria. Collection method: clinical testing. Allele origin: germline. Inheritance: Autosomal recessive inheritance. Observed: 1 variant allele.
Comment: The p.Gln991ArgfsX15 variant in NPC1 has been reported in at least 8 individuals with Neimann-Pick Type C, in the compound heterozygous (5), homozygous (2) or heterozygous state (1) (Greer 1999 PMID: 10521290, Tarugi 2002 PMID: 12401890, Palmeri 2005 PMID: 16086131, Millat 2005 PMID: 16126423, Schicks 2013 PMID: 23427322, Imrie 2015 PMID: 26666848, Elmonem 2016 PMID: 26830282). It has also been identified in 0.01% (2/30616) of South Asian chromosomes by gnomAD. However, this frequency is low enough to be consistent with a recessive carrier frequency. This variant has also been reported in ClinVar (Variation ID 188932). This variant is predicted to cause a frameshift, which alters the proteinâ€™s amino acid sequence beginning at position 991 and leads to a premature termination codon 15 amino acids downstream. This alteration is then predicted to lead to a truncated or absent protein. Loss of function of the NPC1 gene is an established disease mechanism in autosomal recessive Niemann-Pick Type C Disease. In vitro functional studies provide some evidence that this variant does impacts protein function (Tarugi 2002 PMID: 12401890); however, these types of assays may not accurately represent biological function. In summary, this variant meets criteria to be classified as pathogenic for autosomal recessive Niemann-Pick Type C Disease. ACMG/AMP Criteria applied: PVS1, PM3_Strong, PM2_Supporting, PS3_Supporting.

Women's Health and Genetics/Laboratory Corporation of America, LabCorp
Classification: Pathogenic for Niemann-Pick disease, type C. Last evaluated: 2018-07-19. Review status: criteria provided, single submitter. Criteria: LabCorp Variant Classification Summary - May 2015. Collection method: clinical testing. Allele origin: germline.
Comment: Variant summary: NPC1 c.2972_2973delAG (p.Gln991ArgfsX15) results in a premature termination codon, predicted to cause a truncation of the encoded protein or absence of the protein due to nonsense mediated decay, which are commonly known mechanisms for disease. Truncations downstream of this position have been classified as pathogenic by our laboratory (e.g. c.3742_3745delCTCA (p.Leu1248fsX3)). The variant allele was found at a frequency of 4.7e-05 in 277230 control chromosomes. This frequency is not higher than expected for a pathogenic variant in NPC1 causing Niemann-Pick Disease Type C (4.7e-05 vs 0.0028), allowing no conclusion about variant significance. c.2972_2973delAG has been reported in the literature in multiple individuals affected with Niemann-Pick Disease Type C, including several homozygous patients who are severely affected (e.g. Millat_2005, Fancello_2009, Elmonem_2016). These data indicate that the variant is very likely to be associated with disease. To our knowledge, no experimental evidence demonstrating an impact on protein function has been reported. One clinical diagnostic laboratory has submitted clinical-significance assessments for this variant to ClinVar after 2014 without evidence for independent evaluation and classified the variant as uncertain significance. Based on the evidence outlined above, the variant was classified as pathogenic.

Illumina Laboratory Services, Illumina
Classification: Pathogenic for Niemann-Pick disease, type C1. Last evaluated: 2018-06-19. Review status: criteria provided, single submitter. Criteria: ICSL Variant Classification Criteria 09 May 2019. Collection method: clinical testing. Allele origin: germline.
Comment: The NPC1 c.2972_2973delAG (p.Gln991ArgfsTer15) variant has been reported in at least seven studies and is found in at least seven patients with suspected Neimann-Pick disease type C, including one in a homozygous state, five in a compound heterozygous state, and two in a heterozygous state where a second variant was not identified (Greer et al. 1999; Tarugi et al. 2002; Park et al. 2003; Fancello et al. 2009; Schicks et al. 2013; Zhang et al. 2014; Imrie et al. 2015). The p.Gln991ArgfsTer15 variant was absent from 250 controls but is reported at a frequency of 0.00006 in the European (non-Finnish) population of the Genome Aggregation Database. Data from Tarugi et al. (2002) suggest the allele carrying p.Gln991ArgfsTer15 is not transcribed or mRNA is rapidly degraded making it non-functional, as the allele was not identified using reverse transcription of RNA in fibroblasts of two unrelated compound heterozygous patients. Based on the evidence and the potential impact of frameshift variants, the p.Gln991ArgfsTer15 variant is classified as pathogenic for Niemann-Pick disease type C. This variant was observed by ICSL as part of a predisposition screen in an ostensibly healthy population.

CeGaT Center for Human Genetics Tuebingen
Classification: Uncertain significance. Last evaluated: 2016-07-01. Review status: criteria provided, single submitter. Criteria: CeGaT Center For Human Genetics Tuebingen Variant Classification Criteria Version 2. Collection method: clinical testing. Allele origin: germline. Affected: yes. Observed: 1 variant allele.

Counsyl
Classification: Likely pathogenic for Niemann-Pick disease type C1. Last evaluated: 2014-08-21. Review status: no assertion criteria provided. Collection method: literature only. Allele origin: unknown. Inheritance: Autosomal recessive inheritance. Not counted in ClinVar's aggregate classification.

Literature cited by the submitters: PubMed 12401890 (cited by 5 submitters); PubMed 16126423 (cited by 4 submitters); PubMed 26666848 (cited by 4 submitters); PubMed 26981555 (cited by Natera, Inc.); PubMed 9211850 (cited by Labcorp Genetics (formerly Invitae), Labcorp); PubMed 23427322 (cited by 4 submitters); PubMed 24915861 (cited by 4 submitters); PubMed 16086131 (cited by Laboratory for Molecular Medicine, Mass General Brigham Personalized Medicine); PubMed 10521290 (cited by 4 submitters); PubMed 26830282 (cited by Laboratory for Molecular Medicine, Mass General Brigham Personalized Medicine and Women's Health and Genetics/Laboratory Corporation of America, LabCorp); PubMed 19252935 (cited by 3 submitters); PubMed 12955717 (cited by Illumina Laboratory Services, Illumina and Counsyl).

NM_000271.5(NPC1):c.2972_2973del (p.Gln991fs)

Gene: NPC1 (NPC intracellular cholesterol transporter 1; minus strand). Cytogenetic location: 18q11.2.
Variant type: Deletion.
Coding change: c.2972_2973del on transcript NM_000271.5 (MANE Select); coding-DNA positions 2972 to 2973, 2 bases deleted (AG; older notation c.2972_2973delAG).
Protein change: p.Gln991fs; shifts the reading frame from glutamine 991.
Molecular consequence: frameshift variant.
Genome position (GRCh38, 1-based): chr18:23,538,610-23,538,611, CT deleted on the plus strand (AG on the coding strand, the reverse complement: NPC1 is on the minus strand). VCF-style (leftmost placement, unchanged base first): chr18-23538609-CCT-C. GRCh37 (hg19) VCF-style: chr18-21118573-CCT-C.
Other names: c.2972_2973del (NM_000271.4); short protein forms Q991fs.
Identifiers: ClinVar variation 188932 (VCV000188932.71), dbSNP rs756815030, ClinGen allele CA274149.
Genomic context (GRCh38, chr18:23,538,609, plus strand): 5'-CACACTTGGGGTTAGGGTTATCCGAAAGGAACATGGGCAGGAATCTCATGAAGTCTCCCC[CCT>C]GAGGCCTCTGTTTGCCTTCCGGAGTCAGAGGCCTGCAGCGAACGCAGGCAGGGTCAACCA-3'